The following is an entry in ClinVar:

NM_198253.3(TERT):c.2031C>T (p.Gly677=)

Gene: TERT (telomerase reverse transcriptase; minus strand). Cytogenetic location: 5p15.33.
Variant type: single nucleotide variant.
Coding change: c.2031C>T on transcript NM_198253.3 (MANE Select); coding-DNA position 2031, C replaced by T.
Protein change: p.Gly677=; no amino-acid change (glycine 677 retained).
Molecular consequence: synonymous variant. On other transcripts: non-coding transcript variant (2).
Genome position (GRCh38, 1-based): chr5:1,279,390, G>A on the plus strand (C>T on the coding strand, the complement: TERT is on the minus strand). VCF-style: chr5-1279390-G-A. GRCh37 (hg19) VCF-style: chr5-1279505-G-A.
Other names: p.Gly677=; c.2031C>T, p.Gly677= (NM_001193376.3).
Identifiers: ClinVar variation 227096 (VCV000227096.54), dbSNP rs33956095, ClinGen allele CA3184683.

ClinVar aggregate classification (germline): Benign/Likely benign. Review status: criteria provided, multiple submitters, no conflicts (2 of 4 stars). 18 submissions from 15 submitters: Benign (14); Likely benign (1). 3 of the submissions do not count toward it. Last evaluated 2026-02-02.

Conditions:
Dyskeratosis congenita, autosomal dominant 2. Identifiers: MedGen C3151443, MONDO:0013521, OMIM 613989.
Idiopathic Pulmonary Fibrosis. Also called: Idiopathic fibrosing alveolitis, chronic form; idiopathic fibrosing alveolitis. Identifiers: Orphanet 2032, MedGen C1800706, MeSH D054990, MONDO:0800504.
Pulmonary fibrosis and/or bone marrow failure, Telomere-related, 1. Also called: PULMONARY FIBROSIS AND/OR BONE MARROW FAILURE SYNDROME, TELOMERE-RELATED, 1. Identifiers: Orphanet 88, MedGen C3553617, MONDO:0013878, OMIM 614742.
Melanoma, cutaneous malignant, susceptibility to, 9. Also called: Cutaneous malignant melanoma 9. Identifiers: Orphanet 618, MedGen C3554574, MONDO:0014056, OMIM 615134.
Dyskeratosis congenita. Identifiers: Orphanet 1775, MedGen C0265965, MONDO:0015780.
Acute myeloid leukemia (AML). Also called: Leukemia, acute myeloid, somatic; Acute myeloid leukemia, adult; AML adult; Acute non-lymphocytic leukemia; Acute granulocytic leukemia; Leukemia, acute myelogenous, somatic. Identifiers: Orphanet 519, MedGen C0023467, MeSH D015470, MONDO:0018874, OMIM 601626, HP:0004808. Disease mechanism: Constitutively activated FLT3.
Aplastic anemia. Identifiers: Orphanet 182040, Orphanet 88, MedGen C0002874, MONDO:0015909, OMIM 609135, HP:0001915.

Allele frequency attached by ClinVar (database versions not stated): gnomAD exomes 0.01011 and 0.01034; 1000 Genomes Project 0.01717; ExAC 0.01827; gnomAD 0.01985 and 0.02136; 1000 Genomes Project 30x 0.02030; ESP Exome Variant Server 0.02076; TOPMed 0.02098.
gnomAD v4.1: 17,575 of 1,557,728 alleles (1.1%); highest among the groups gnomAD compares: African/African-American, 4.8%; 158 homozygotes.

Submissions (18):

Labcorp Genetics (formerly Invitae), Labcorp
Classification: Benign for Dyskeratosis congenita, autosomal dominant 2; Idiopathic Pulmonary Fibrosis. Last evaluated: 2026-02-02. Review status: criteria provided, single submitter. Criteria: Invitae Variant Classification Sherloc (09022015). Collection method: clinical testing. Allele origin: germline.

CeGaT Center for Human Genetics Tuebingen
Classification: Benign. Last evaluated: 2025-04-01. Review status: criteria provided, single submitter. Criteria: CeGaT Center For Human Genetics Tuebingen Variant Classification Criteria Version 2. Collection method: clinical testing. Allele origin: germline. Affected: yes. Observed: 1 variant allele.
Comment: TERT: BP4, BP7, BS1, BS2

ARUP Laboratories, Molecular Genetics and Genomics, ARUP Laboratories
Classification: Benign. Last evaluated: 2025-03-18. Review status: criteria provided, single submitter. Criteria: ARUP Molecular Germline Variant Investigation Process 2024. Collection method: clinical testing. Allele origin: germline.

KCCC/NGS Laboratory, Kuwait Cancer Control Center
Classification: Benign for Melanoma, cutaneous malignant, susceptibility to, 9. Last evaluated: 2025-02-01. Review status: criteria provided, single submitter. Criteria: ACMG Guidelines, 2015. Collection method: clinical testing. Allele origin: germline. Affected: no.

Blueprint Genetics
Classification: Likely benign. Last evaluated: 2024-11-26. Review status: criteria provided, single submitter. Criteria: ACMG Guidelines, 2015. Collection method: clinical testing. Allele origin: germline.

KCCC/NGS Laboratory, Kuwait Cancer Control Center
Classification: Benign for Acute myeloid leukemia. Last evaluated: 2023-07-07. Review status: criteria provided, single submitter. Criteria: ACMG Guidelines, 2015. Collection method: clinical testing. Allele origin: germline. Affected: yes.

Mayo Clinic Laboratories, Mayo Clinic
Classification: Benign. Last evaluated: 2018-04-20. Review status: criteria provided, single submitter. Criteria: ACMG Guidelines, 2015. Collection method: clinical testing. Allele origin: germline. Observed: 16 variant alleles.

Illumina Laboratory Services, Illumina
Classification: Benign for Pulmonary fibrosis and/or bone marrow failure, Telomere-related, 1. Last evaluated: 2018-01-13. Review status: criteria provided, single submitter. Criteria: ICSL Variant Classification Criteria 13 December 2019. Collection method: clinical testing. Allele origin: germline.
Comment: This variant was observed in the ICSL laboratory as part of a predisposition screen in an ostensibly healthy population. It had not been previously curated by ICSL or reported in the Human Gene Mutation Database (HGMD: prior to June 1st, 2018), and was therefore a candidate for classification through an automated scoring system. Utilizing variant allele frequency, disease prevalence and penetrance estimates, and inheritance mode, an automated score was calculated to assess if this variant is too frequent to cause the disease. Based on the score and internal cut-off values, a variant classified as benign is not then subjected to further curation. The score for this variant resulted in a classification of benign for this disease.

Illumina Laboratory Services, Illumina
Classification: Benign for Aplastic anemia. Last evaluated: 2018-01-13. Review status: criteria provided, single submitter. Criteria: ICSL Variant Classification Criteria 13 December 2019. Collection method: clinical testing. Allele origin: germline.
Comment: the same text as in the submission from Illumina Laboratory Services, Illumina above.

Illumina Laboratory Services, Illumina
Classification: Benign for Dyskeratosis congenita, autosomal dominant 2. Last evaluated: 2018-01-13. Review status: criteria provided, single submitter. Criteria: ICSL Variant Classification Criteria 13 December 2019. Collection method: clinical testing. Allele origin: germline.
Comment: the same text as in the submission from Illumina Laboratory Services, Illumina above.

Ambry Genetics
Classification: Benign for Dyskeratosis congenita. Last evaluated: 2016-02-03. Review status: criteria provided, single submitter. Criteria: Ambry Variant Classification Scheme 2023. Collection method: clinical testing. Allele origin: germline.

GeneDx
Classification: Benign. Last evaluated: 2015-03-03. Review status: criteria provided, single submitter. Criteria: GeneDx Variant Classification Process June 2021. Collection method: clinical testing. Allele origin: germline. Affected: yes.

Laboratory for Molecular Medicine, Mass General Brigham Personalized Medicine
Classification: Benign. Last evaluated: 2013-02-21. Review status: criteria provided, single submitter. Criteria: LMM Criteria. Collection method: clinical testing. Allele origin: germline. Observed: 6 variant alleles.
Comment: Gly677Gly in exon 5 of TERT: This variant is not expected to have clinical signi ficance because it does not alter an amino acid residue and is not located withi n the splice consensus sequence. It has been identified in 4.1% (173/4212) of Af rican American chromosomes from a broad population by the NHLBI Exome Sequencing Project (dbSNP rs33956095).

Breakthrough Genomics
Classification: Benign. Review status: criteria provided, single submitter. Criteria: ACMG Guidelines, 2015. Collection method: not provided. Allele origin: germline. Inheritance: Autosomal dominant inheritance. Affected: yes.

PreventionGenetics, part of Exact Sciences
Classification: Benign. Review status: criteria provided, single submitter. Criteria: ACMG Guidelines, 2015. Collection method: clinical testing. Allele origin: germline.

Genome Diagnostics Laboratory, Amsterdam University Medical Center
Classification: Benign. Review status: no assertion criteria provided. Collection method: clinical testing. Allele origin: germline. Affected: yes. Study: VKGL Data-share Consensus. Not counted in ClinVar's aggregate classification.

Joint Genome Diagnostic Labs from Nijmegen and Maastricht, Radboudumc and MUMC+
Classification: Benign. Review status: no assertion criteria provided. Collection method: clinical testing. Allele origin: germline. Affected: yes. Study: VKGL Data-share Consensus. Not counted in ClinVar's aggregate classification.

Laboratory of Diagnostic Genome Analysis, Leiden University Medical Center (LUMC)
Classification: Benign. Review status: no assertion criteria provided. Collection method: clinical testing. Allele origin: germline. Affected: yes. Study: VKGL Data-share Consensus. Not counted in ClinVar's aggregate classification.